The following is an entry in ClinVar:

ClinVar aggregate classification (germline): Benign/Likely benign. Review status: criteria provided, multiple submitters, no conflicts (2 of 4 stars). 5 submissions from 5 submitters: Benign (1); Likely benign (3). 1 of the submissions does not count toward it. Last evaluated 2025-12-30.

Conditions:
DMXL2-related disorder. Also called: DMXL2-related condition.

Allele frequency attached by ClinVar (database versions not stated): gnomAD exomes 0.00017 and 0.00054; ExAC 0.00059; gnomAD 0.00185 and 0.00200; 1000 Genomes Project 0.00200; TOPMed 0.00209; 1000 Genomes Project 30x 0.00234; ESP Exome Variant Server 0.00239.
gnomAD v4.1: 517 of 1,517,128 alleles (0.034%); highest among the groups gnomAD compares: African/African-American, 0.67%; 1 homozygote.

Submissions (5):

Labcorp Genetics (formerly Invitae), Labcorp
Classification: Benign. Last evaluated: 2025-12-30. Review status: criteria provided, single submitter. Criteria: Invitae Variant Classification Sherloc (09022015). Collection method: clinical testing. Allele origin: germline.

Women's Health and Genetics/Laboratory Corporation of America, LabCorp
Classification: Likely benign. Last evaluated: 2025-06-10. Review status: criteria provided, single submitter. Criteria: LabCorp Variant Classification Summary - May 2015. Collection method: clinical testing. Allele origin: germline.

Blueprint Genetics
Classification: Likely benign. Last evaluated: 2024-07-19. Review status: criteria provided, single submitter. Criteria: ACMG Guidelines, 2015. Collection method: clinical testing. Allele origin: germline.

CeGaT Center for Human Genetics Tuebingen
Classification: Likely benign. Last evaluated: 2023-07-01. Review status: criteria provided, single submitter. Criteria: CeGaT Center For Human Genetics Tuebingen Variant Classification Criteria Version 2. Collection method: clinical testing. Allele origin: germline. Affected: yes. Observed: 1 variant allele.
Comment: DMXL2: BP4, BP7

PreventionGenetics, part of Exact Sciences
Classification: Likely benign for DMXL2-related condition. Last evaluated: 2019-08-29. Review status: no assertion criteria provided. Collection method: clinical testing. Allele origin: germline. Not counted in ClinVar's aggregate classification.
Comment: This variant is classified as likely benign based on ACMG/AMP sequence variant interpretation guidelines (Richards et al. 2015 PMID: 25741868, with internal and published modifications).

NM_001378457.1(DMXL2):c.6561A>G (p.Gln2187=)

Gene: DMXL2 (Dmx like 2; minus strand). Cytogenetic location: 15q21.2.
Variant type: single nucleotide variant.
Coding change: c.6561A>G on transcript NM_001378457.1 (MANE Select); coding-DNA position 6561, A replaced by G.
Protein change: p.Gln2187=; no amino-acid change (glutamine 2187 retained).
Molecular consequence: synonymous variant. On other transcripts: non-coding transcript variant (2).
Genome position (GRCh38, 1-based): chr15:51,480,545, T>C on the plus strand (A>G on the coding strand, the complement: DMXL2 is on the minus strand). VCF-style: chr15-51480545-T-C. GRCh37 (hg19) VCF-style: chr15-51772742-T-C.
Other names: c.6561A>G, p.Gln2187= (NM_001174116.3, NM_001378458.1, NM_001378459.1 and 4 more transcripts); c.4653A>G, p.Gln1551= (NM_001174117.3); c.4542A>G, p.Gln1514= (NM_001378460.1); c.6321A>G, p.Gln2107= (NM_001378464.1).
Identifiers: ClinVar variation 713184 (VCV000713184.37), dbSNP rs73399548, ClinGen allele CA7561613.